The following is an entry in ClinVar:

ClinVar aggregate classification (germline): Uncertain significance (1 of 4 stars; one submission).

Conditions:
Emery-Dreifuss muscular dystrophy 4, autosomal dominant (EDMD4). Also called: EMERY-DREIFUSS MUSCULAR DYSTROPHY 4 WITH VARIABLE FEATURES. Identifiers: Orphanet 261, MedGen C2751807, MONDO:0013071, OMIM 612998.
Autosomal recessive ataxia, Beauce type. Also called: Spinocerebellar ataxia, autosomal recessive 8; ATAXIA, RECESSIVE, OF BEAUCE; SYNE1 Deficiency; SYNE1-Related Autosomal Recessive Cerebellar Ataxia. Identifiers: Orphanet 88644, MedGen C1853116, MONDO:0012549, OMIM 610743.

Allele frequency attached by ClinVar (database versions not stated): gnomAD exomes below 0.00001 and 0.00001; ExAC 0.00001; gnomAD 0.00001.
gnomAD v4.1: 4 of 1,614,052 alleles (0.00025%); highest among the groups gnomAD compares: Non-Finnish European, 0.00034%; no homozygotes.

Submission:

Labcorp Genetics (formerly Invitae), Labcorp
Classification: Uncertain significance for Emery-Dreifuss muscular dystrophy 4, autosomal dominant; Autosomal recessive ataxia, Beauce type. Last evaluated: 2020-09-15. Review status: criteria provided, single submitter. Criteria: Invitae Variant Classification Sherloc (09022015). Collection method: clinical testing. Allele origin: germline.
Comment: This sequence change replaces serine with asparagine at codon 3747 of the SYNE1 protein (p.Ser3747Asn). The serine residue is highly conserved and there is a small physicochemical difference between serine and asparagine. This variant is present in population databases (rs780889581, ExAC 0.001%). This variant has not been reported in the literature in individuals with SYNE1-related conditions. Algorithms developed to predict the effect of missense changes on protein structure and function are either unavailable or do not agree on the potential impact of this missense change (SIFT: "Deleterious"; PolyPhen-2: "Benign"; Align-GVGD: "Class C45"). In summary, the available evidence is currently insufficient to determine the role of this variant in disease. Therefore, it has been classified as a Variant of Uncertain Significance.

NM_182961.4(SYNE1):c.11285G>A (p.Ser3762Asn)

Gene: SYNE1 (spectrin repeat containing nuclear envelope protein 1; minus strand). Cytogenetic location: 6q25.2.
Variant type: single nucleotide variant.
Coding change: c.11285G>A on transcript NM_182961.4 (MANE Select); coding-DNA position 11285, G replaced by A.
Protein change: p.Ser3762Asn; replaces serine 3762 with asparagine.
Molecular consequence: missense variant.
Genome position (GRCh38, 1-based): chr6:152,352,322, C>T on the plus strand (G>A on the coding strand, the complement: SYNE1 is on the minus strand). VCF-style: chr6-152352322-C-T. GRCh37 (hg19) VCF-style: chr6-152673457-C-T.
Other names: c.11240G>A, p.Ser3747Asn (NM_033071.5); short protein forms S3747N, S3762N.
Identifiers: ClinVar variation 1059712 (VCV001059712.7), dbSNP rs780889581, ClinGen allele CA4056717.